The following is an entry in ClinVar:

ClinVar aggregate classification (germline): Uncertain significance (1 of 4 stars; one submission).

Submission:

Labcorp Genetics (formerly Invitae), Labcorp
Classification: Uncertain significance. Last evaluated: 2026-01-14. Review status: criteria provided, single submitter. Criteria: Invitae Variant Classification Sherloc (09022015). Collection method: clinical testing. Allele origin: germline.
Comment: This sequence change replaces threonine, which is neutral and polar, with isoleucine, which is neutral and non-polar, at codon 307 of the TNNI3K protein (p.Thr307Ile). This variant is not present in population databases (gnomAD no frequency). This variant has not been reported in the literature in individuals affected with TNNI3K-related conditions. Invitae Evidence Modeling of protein sequence and biophysical properties (such as structural, functional, and spatial information, amino acid conservation, physicochemical variation, residue mobility, and thermodynamic stability) indicates that this missense variant is not expected to disrupt TNNI3K protein function with a negative predictive value of 80%. In summary, the available evidence is currently insufficient to determine the role of this variant in disease. Therefore, it has been classified as a Variant of Uncertain Significance.

NM_015978.3(TNNI3K):c.920C>T (p.Thr307Ile)

Genes: FPGT-TNNI3K (FPGT-TNNI3K readthrough; plus strand), TNNI3K (TNNI3 interacting kinase; plus strand). Cytogenetic location: 1p31.1.
Variant type: single nucleotide variant.
Coding change: c.920C>T on transcript NM_015978.3 (MANE Select); coding-DNA position 920, C replaced by T.
Protein change: p.Thr307Ile; replaces threonine 307 with isoleucine.
Molecular consequence: missense variant.
Genome position (GRCh38, 1-based): chr1:74,343,167, C>T. VCF-style: chr1-74343167-C-T. GRCh37 (hg19) VCF-style: chr1-74808851-C-T.
Other names: c.1223C>T, p.Thr408Ile (NM_001112808.3, NM_001199327.2); short protein forms T307I, T408I.
Identifiers: ClinVar variation 4701391 (VCV004701391.1).
Genomic context (GRCh38, chr1:74,343,167, plus strand): 5'-AGGAAATCATCCAAATATCAGGAACAGAAAGTCTGACTAAGGAAAACATCTTCAGTGAAA[C>T]AGCTTTTCATAGGTAAAAGAATATTTAAGTGCAATAGCCACTAAACTTAGCTGACACTCT-3'
Protein context (NP_057062.1, residues 297-317): SLTKENIFSE[Thr307Ile]AFHSACTYGK